The following is an entry in ClinVar:

NM_153460.4(IL17RC):c.1524G>A (p.Ala508=)

Gene: IL17RC (interleukin 17 receptor C; plus strand). Cytogenetic location: 3p25.3.
Variant type: single nucleotide variant.
Coding change: c.1524G>A on transcript NM_153460.4 (MANE Select); coding-DNA position 1524, G replaced by A.
Protein change: p.Ala508=; no amino-acid change (alanine 508 retained).
Molecular consequence: synonymous variant. On other transcripts: non-coding transcript variant (1).
Genome position (GRCh38, 1-based): chr3:9,932,954, G>A. VCF-style: chr3-9932954-G-A. GRCh37 (hg19) VCF-style: chr3-9974638-G-A.
Other names: c.1485G>A, p.Ala495= (NM_001203263.2); c.1434G>A, p.Ala478= (NM_001203264.2); c.1428G>A, p.Ala476= (NM_001203265.2); c.1446G>A, p.Ala482= (NM_001367278.1); c.1365G>A, p.Ala455= (NM_001367279.1); c.1440G>A, p.Ala480= (NM_001367280.1); c.1389G>A, p.Ala463= (NM_001410711.1); c.1479G>A, p.Ala493= (NM_032732.6); and 1 more.
Identifiers: ClinVar variation 3016053 (VCV003016053.3), dbSNP rs756938928, ClinGen allele CA2247355.

ClinVar aggregate classification (germline): Uncertain significance (1 of 4 stars; one submission).

Conditions:
Candidiasis, familial, 9 (CANDF9). Identifiers: Orphanet 1334, MedGen C4225324, MONDO:0014642, OMIM 616445.

gnomAD v4.1: 3 of 1,606,836 alleles (0.00019%); highest among the groups gnomAD compares: Admixed American, 0.0051%; no homozygotes.

Submission:

Labcorp Genetics (formerly Invitae), Labcorp
Classification: Uncertain significance for Candidiasis, familial, 9. Last evaluated: 2025-10-21. Review status: criteria provided, single submitter. Criteria: Invitae Variant Classification Sherloc (09022015). Collection method: clinical testing. Allele origin: germline.
Comment: This sequence change affects codon 579 of the IL17RC mRNA. It is a 'silent' change, meaning that it does not change the encoded amino acid sequence of the IL17RC protein. This variant is present in population databases (rs756938928, gnomAD 0.006%). This variant has not been reported in the literature in individuals affected with IL17RC-related conditions. ClinVar contains an entry for this variant (Variation ID: 3016053). Algorithms developed to predict the effect of sequence changes on RNA splicing suggest that this variant may create or strengthen a splice site. In summary, the available evidence is currently insufficient to determine the role of this variant in disease. Therefore, it has been classified as a Variant of Uncertain Significance.